The following is an entry in ClinVar:

NM_001680.5(FXYD2):c.176+5G>C

Genes: FXYD2 (FXYD domain containing ion transport regulator 2; minus strand), FXYD6-FXYD2 (FXYD6-FXYD2 readthrough; minus strand). Cytogenetic location: 11q23.3.
Variant type: single nucleotide variant.
Coding change: c.176+5G>C on transcript NM_001680.5 (MANE Select); 5 bases into the intron after coding-DNA position 176, G replaced by C.
Molecular consequence: intron variant.
Genome position (GRCh38, 1-based): chr11:117,820,854, C>G on the plus strand (G>C on the coding strand, the complement: FXYD2 is on the minus strand). VCF-style: chr11-117820854-C-G. GRCh37 (hg19) VCF-style: chr11-117691569-C-G.
Other names: c.*9+5G>C (NM_001243598.4); c.410+5G>C (NM_001204268.3); c.170+5G>C (NM_021603.4).
Identifiers: ClinVar variation 1978740 (VCV001978740.4), dbSNP rs760414736, ClinGen allele CA2580083537.

ClinVar aggregate classification (germline): Uncertain significance (1 of 4 stars; one submission).

Submission:

Labcorp Genetics (formerly Invitae), Labcorp
Classification: Uncertain significance. Last evaluated: 2022-07-13. Review status: criteria provided, single submitter. Criteria: Invitae Variant Classification Sherloc (09022015). Collection method: clinical testing. Allele origin: germline.
Comment: This variant is not present in population databases (gnomAD no frequency). This variant has not been reported in the literature in individuals affected with FXYD2-related conditions. Variants that disrupt the consensus splice site are a relatively common cause of aberrant splicing (PMID: 17576681, 9536098). Algorithms developed to predict the effect of sequence changes on RNA splicing suggest that this variant may disrupt the consensus splice site. In summary, the available evidence is currently insufficient to determine the role of this variant in disease. Therefore, it has been classified as a Variant of Uncertain Significance. This sequence change falls in intron 4 of the FXYD2 gene. It does not directly change the encoded amino acid sequence of the FXYD2 protein. It affects a nucleotide within the consensus splice site.

Literature cited by the submitters: PubMed 17576681; PubMed 9536098.